The following is an entry in ClinVar:

NM_015213.4(DENND5A):c.1063G>C (p.Ala355Pro)

Gene: DENND5A (DENN domain containing 5A; minus strand). Cytogenetic location: 11p15.4.
Variant type: single nucleotide variant.
Coding change: c.1063G>C on transcript NM_015213.4 (MANE Select); coding-DNA position 1063, G replaced by C.
Protein change: p.Ala355Pro; replaces alanine 355 with proline.
Molecular consequence: missense variant. On other transcripts: non-coding transcript variant (1).
Genome position (GRCh38, 1-based): chr11:9,193,568, C>G on the plus strand (G>C on the coding strand, the complement: DENND5A is on the minus strand). VCF-style: chr11-9193568-C-G. GRCh37 (hg19) VCF-style: chr11-9215115-C-G.
Other names: c.1063G>C, p.Ala355Pro (NM_001243254.2); c.991G>C, p.Ala331Pro (NM_001348749.2); c.775G>C, p.Ala259Pro (NM_001348750.2); c.1063G>C (NM_015213.3); short protein forms A259P, A331P, A355P.
Identifiers: ClinVar variation 1013301 (VCV001013301.41), dbSNP rs746343734, ClinGen allele CA5877690.
Genomic context (GRCh38, chr11:9,193,568, plus strand): 5'-CCAGCTTTGACCGGTCATCCAGGCCATTGGAATGCAAACCCATCAGGTATGGAACAGGAG[C>G]ATCTAAGAAATGCAGGAGAGAAGCTGGGAGAATAGGGACATAGACATGCTGCCACTGGAA-3'
Protein context (NP_056028.2, residues 345-365): LPASLLHFLD[Ala355Pro]PVPYLMGLHS

ClinVar aggregate classification (germline): Uncertain significance. Review status: criteria provided, multiple submitters, no conflicts (2 of 4 stars). 4 submissions from 4 submitters: Uncertain significance (4). Last evaluated 2025-01-19.

Conditions:
Inborn genetic diseases. Identifiers: MedGen C0950123, MeSH D030342.

Allele frequency attached by ClinVar (database versions not stated): ExAC 0.00001; gnomAD exomes 0.00002 and 0.00007; gnomAD 0.00003 and 0.00004; TOPMed 0.00005.
gnomAD v4.1: 107 of 1,613,878 alleles (0.0066%); highest among the groups gnomAD compares: Non-Finnish European, 0.0087%; no homozygotes.

Submissions (4):

Ambry Genetics
Classification: Uncertain significance for Inborn genetic diseases. Last evaluated: 2025-01-19. Review status: criteria provided, single submitter. Criteria: Ambry Variant Classification Scheme 2023. Collection method: clinical testing. Allele origin: germline.

Blueprint Genetics
Classification: Uncertain significance. Last evaluated: 2023-09-22. Review status: criteria provided, single submitter. Criteria: ACMG Guidelines, 2015. Collection method: clinical testing. Allele origin: germline.

Labcorp Genetics (formerly Invitae), Labcorp
Classification: Uncertain significance. Last evaluated: 2022-03-19. Review status: criteria provided, single submitter. Criteria: Invitae Variant Classification Sherloc (09022015). Collection method: clinical testing. Allele origin: germline.
Comment: This sequence change replaces alanine, which is neutral and non-polar, with proline, which is neutral and non-polar, at codon 355 of the DENND5A protein (p.Ala355Pro). The frequency data for this variant in the population databases is considered unreliable, as metrics indicate poor data quality at this position in the gnomAD database. This variant has not been reported in the literature in individuals affected with DENND5A-related conditions. ClinVar contains an entry for this variant (Variation ID: 1013301). Algorithms developed to predict the effect of missense changes on protein structure and function are either unavailable or do not agree on the potential impact of this missense change (SIFT: "Deleterious"; PolyPhen-2: "Probably Damaging"; Align-GVGD: "Class C0"). In summary, the available evidence is currently insufficient to determine the role of this variant in disease. Therefore, it has been classified as a Variant of Uncertain Significance.

CeGaT Center for Human Genetics Tuebingen
Classification: Uncertain significance. Last evaluated: 2020-08-01. Review status: criteria provided, single submitter. Criteria: CeGaT Center For Human Genetics Tuebingen Variant Classification Criteria Version 2. Collection method: clinical testing. Allele origin: germline. Affected: yes. Observed: 1 variant allele.